The following is an entry in ClinVar:

ClinVar aggregate classification (germline): Likely pathogenic. Review status: reviewed by expert panel (3 of 4 stars). 2 submissions from 2 submitters: Likely pathogenic (1). 1 of the submissions does not count toward it. Last evaluated 2025-09-26.

Conditions:
Hereditary antithrombin deficiency (AT3D). Also called: Antithrombin III deficiency; Thrombophilia due to antithrombin III deficiency; Reduced antithrombin III activity; Antithrombin deficiency. Identifiers: Orphanet 82, MedGen C0272375, MONDO:0013144, OMIM 613118, HP:0001976.

Submissions (2):

Clingen Thrombosis Variant Curation Expert Panel, ClinGen
Classification: Likely pathogenic for Hereditary antithrombin deficiency. Last evaluated: 2025-09-26. Review status: reviewed by expert panel. Criteria: ClinGen ACMG Specifications SERPINC1 V1.0.0. Collection method: curation. Allele origin: germline. Inheritance: Autosomal dominant inheritance.
Comment: The c.1218+2T>C (NM_000488.4) variant in SERPINC1 is a canonical splice donor site variant located in exon 6, and NMD is not expected. Splice AI predicts a moderate/leaky loss exon 6 donor site (Delta DL: 0.34 score, 2bp) and exon 6 acceptor site (Delta AL: 0.29 score, 66bp) with no predicted cryptic splice site gains (AG and DG: 0 score). varSEAK predicts (class 5) a loss of donor site (+82.62 %) with potential exon skipping. In the instance of exon 6 skipping, this will result in removing >10% of protein escaping NMD and eliminating a region with important reactive site residues (Ala414 and Ala416) critical for protein function (PVS1_strong). The variant is absent from gnomAD v4.1.0 (PM2_supporting). There is one reported case from a VCEP Thrombosis member of a proband with antithrombin levels of 61% and 47% with the mother being similarly affected (PP4). In summary, this variant meets the criteria to be classified as likely pathogenic for autosomal dominant antithrombin deficiency based on the ACMG/AMP criteria applied, as specified by the ClinGen Thrombosis VCEP (PVS1_strong, PM2_supporting, PP4).

AiLife Diagnostics
Classification: Likely pathogenic. Last evaluated: 2021-08-25. Review status: criteria provided, single submitter. Criteria: ACMG Guidelines, 2015. Collection method: clinical testing. Allele origin: germline. Affected: yes. Observed: 1 variant allele. Not counted in ClinVar's aggregate classification.

NM_000488.4(SERPINC1):c.1218+2T>C

Gene: SERPINC1 (serpin family C member 1; minus strand). Cytogenetic location: 1q25.1.
Variant type: single nucleotide variant.
Coding change: c.1218+2T>C on transcript NM_000488.4 (MANE Select); the canonical splice donor site of the intron after coding-DNA position 1218, T replaced by C.
Molecular consequence: splice donor variant.
Genome position (GRCh38, 1-based): chr1:173,907,448, A>G on the plus strand (T>C on the coding strand, the complement: SERPINC1 is on the minus strand). VCF-style: chr1-173907448-A-G. GRCh37 (hg19) VCF-style: chr1-173876586-A-G.
Other names: c.1299+2T>C (NM_001386303.1); c.1002+2T>C (NM_001386306.1); c.1197+2T>C (NM_001386304.1); c.1161+2T>C (NM_001386305.1); c.1341+2T>C (NM_001386302.1); c.1074+2T>C (NM_001365052.2).
Identifiers: ClinVar variation 1678105 (VCV001678105.3), dbSNP rs2102778849, ClinGen allele CA343772713.